The following is an entry in ClinVar:

NM_018451.5(CPAP):c.3538_3539delinsTG (p.Glu1180Ter)

Genes: CPAP (centrosome assembly and centriole elongation protein; minus strand), RNF17 (ring finger protein 17; plus strand). Cytogenetic location: 13q12.12.
Variant type: Indel.
Coding change: c.3538_3539delinsTG on transcript NM_018451.5 (MANE Select); coding-DNA positions 3538 to 3539, GA replaced by TG.
Protein change: p.Glu1180Ter; replaces glutamic acid 1180 with a stop codon.
Molecular consequence: nonsense. On other transcripts: non-coding transcript variant (2).
Genome position (GRCh38, 1-based): chr13:24,884,402-24,884,403, TC replaced by CA on the plus strand (GA replaced by TG on the coding strand, the reverse complement: CPAP is on the minus strand). VCF-style: chr13-24884402-TC-CA. GRCh37 (hg19) VCF-style: chr13-25458540-TC-CA.
Other names: short protein forms E1180*.
Identifiers: ClinVar variation 593431 (VCV000593431.7), dbSNP rs1566276461, ClinGen allele CA913190712.
Genomic context (GRCh38, chr13:24,884,402, plus strand): 5'-ACCTGCTTCACGTCACCATTAAAGAAAGTGACAGTGATGGTCTTCCCATCTGCACTCACT[TC>CA]CTTTCGAGTTCCATTGGGAAACAGTATAACACGGCACCCATTCTTATAAACCTTTTCCAC-3'

ClinVar aggregate classification (germline): Pathogenic/Likely pathogenic. Review status: criteria provided, multiple submitters, no conflicts (2 of 4 stars). 2 submissions from 2 submitters: Pathogenic (1); Likely pathogenic (1). Last evaluated 2024-03-30.

Submissions (2):

Labcorp Genetics (formerly Invitae), Labcorp
Classification: Pathogenic. Last evaluated: 2024-03-30. Review status: criteria provided, single submitter. Criteria: Invitae Variant Classification Sherloc (09022015). Collection method: clinical testing. Allele origin: germline.
Comment: This sequence change creates a premature translational stop signal (p.Glu1180*) in the CENPJ gene. It is expected to result in an absent or disrupted protein product. Loss-of-function variants in CENPJ are known to be pathogenic (PMID: 15793586, 16900296, 20522431). This variant is present in population databases (no rsID available, gnomAD 0.001%). This variant has not been reported in the literature in individuals affected with CENPJ-related conditions. ClinVar contains an entry for this variant (Variation ID: 593431). For these reasons, this variant has been classified as Pathogenic.

Eurofins Ntd Llc (ga)
Classification: Likely pathogenic. Last evaluated: 2017-08-01. Review status: criteria provided, single submitter. Criteria: EGL Classification Definitions 2015. Collection method: clinical testing. Allele origin: germline. Observed: 1 variant allele, 1 heterozygote.

Literature cited by the submitters: PubMed 15793586 (cited by Labcorp Genetics (formerly Invitae), Labcorp); PubMed 16900296 (cited by Labcorp Genetics (formerly Invitae), Labcorp); PubMed 20522431 (cited by Labcorp Genetics (formerly Invitae), Labcorp).